The following is an entry in ClinVar:

ClinVar aggregate classification (germline): Pathogenic. Review status: reviewed by expert panel (3 of 4 stars). 3 submissions from 3 submitters: Pathogenic (1). 2 of the submissions do not count toward it. Last evaluated 2016-09-08.

Conditions:
Hereditary breast ovarian cancer syndrome. Also called: Hereditary breast and ovarian cancer syndrome; Hereditary breast and ovarian cancer; Hereditary breast and ovarian cancer syndrome (HBOC); Breast and ovarian cancer; Hereditary breast and/or ovarian cancer syndrome; BRCA1- and BRCA2-Associated Hereditary Breast and Ovarian Cancer. Identifiers: Orphanet 145, MedGen C0677776, MeSH D061325, MONDO:0003582. Disease mechanism: loss of function.
Breast-ovarian cancer, familial, susceptibility to, 2 (BROVCA2). Also called: BRCA2 Hereditary Breast and Ovarian Cancer. Identifiers: Orphanet 145, MedGen C2675520, MONDO:0012933, OMIM 612555. Disease mechanism: loss of function.

Submissions (3):

Evidence-based Network for the Interpretation of Germline Mutant Alleles (ENIGMA)
Classification: Pathogenic for Breast-ovarian cancer, familial, susceptibility to, 2. Last evaluated: 2016-09-08. Review status: reviewed by expert panel. Criteria: ENIGMA BRCA1/2 Classification Criteria (2015). Collection method: curation. Allele origin: germline.
Comment: Variant allele predicted to encode a truncated non-functional protein.

Labcorp Genetics (formerly Invitae), Labcorp
Classification: Pathogenic for Hereditary breast ovarian cancer syndrome. Last evaluated: 2020-11-12. Review status: criteria provided, single submitter. Criteria: Invitae Variant Classification Sherloc (09022015). Collection method: clinical testing. Allele origin: germline. Not counted in ClinVar's aggregate classification.
Comment: This sequence change creates a premature translational stop signal (p.Asp2492Tyrfs*4) in the BRCA2 gene. It is expected to result in an absent or disrupted protein product. Loss-of-function variants in BRCA2 are known to be pathogenic (PMID: 20104584). This variant is not present in population databases (ExAC no frequency). This variant has not been reported in the literature in individuals with BRCA2-related conditions. ClinVar contains an entry for this variant (Variation ID: 52340). Algorithms developed to predict the effect of sequence changes on RNA splicing suggest that this variant may create or strengthen a splice site, but this prediction has not been confirmed by published transcriptional studies. For these reasons, this variant has been classified as Pathogenic.

Breast Cancer Information Core (BIC) (BRCA2)
Classification: Pathogenic for Breast-ovarian cancer, familial 2. Review status: no assertion criteria provided. Collection method: clinical testing. Allele origin: germline. Affected: yes. Observed: 1 variant allele. Not counted in ClinVar's aggregate classification.

Literature cited by the submitters: PubMed 20104584 (cited by Labcorp Genetics (formerly Invitae), Labcorp).

NM_000059.4(BRCA2):c.7474_7475del (p.Asp2492fs)

Gene: BRCA2 (BRCA2 DNA repair associated; plus strand). Cytogenetic location: 13q13.1.
Variant type: Deletion.
Coding change: c.7474_7475del on transcript NM_000059.4 (MANE Select); coding-DNA positions 7474 to 7475, 2 bases deleted (GA; older notation c.7474_7475delGA).
Protein change: p.Asp2492fs; shifts the reading frame from aspartic acid 2492.
Molecular consequence: frameshift variant.
Genome position (GRCh38, 1-based): chr13:32,356,466-32,356,467, GA deleted. VCF-style (leftmost placement, unchanged base first): chr13-32356465-GGA-G. GRCh37 (hg19) VCF-style: chr13-32930602-GGA-G.
Other names: 7702delGA; c.7474_7475delGA (NM_000059.3); short protein forms D2492fs.
Identifiers: ClinVar variation 52340 (VCV000052340.8), dbSNP rs80359653, ClinGen allele CA025107.